The following is an entry in ClinVar:

NM_000051.4(ATM):c.1615G>A (p.Val539Ile)

Gene: ATM (ATM serine/threonine kinase; plus strand). Cytogenetic location: 11q22.3.
Variant type: single nucleotide variant.
Coding change: c.1615G>A on transcript NM_000051.4 (MANE Select); coding-DNA position 1615, G replaced by A.
Protein change: p.Val539Ile; replaces valine 539 with isoleucine.
Molecular consequence: missense variant.
Genome position (GRCh38, 1-based): chr11:108,251,844, G>A. VCF-style: chr11-108251844-G-A. GRCh37 (hg19) VCF-style: chr11-108122571-G-A.
Other names: c.1615G>A, p.Val539Ile (NM_001351834.2); short protein forms V539I.
Identifiers: ClinVar variation 3232145 (VCV003232145.3), dbSNP rs2135338871, ClinGen allele CA382534481.

ClinVar aggregate classification (germline): Conflicting classifications of pathogenicity. Review status: criteria provided, conflicting classifications (1 of 4 stars). 2 submissions from 2 submitters: Uncertain significance (1); Likely benign (1). Last evaluated 2024-05-19.

Conditions:
Hereditary cancer-predisposing syndrome. Also called: Hereditary Cancer Syndrome; Tumor predisposition; Neoplastic Syndromes, Hereditary; Hereditary neoplastic syndrome. Identifiers: Orphanet 140162, MedGen C0027672, MeSH D009386, MONDO:0015356.
Ataxia-telangiectasia syndrome (AT). Also called: ATAXIA-TELANGIECTASIA, COMPLEMENTATION GROUP A; Ataxia-telangiectasia, complementation group E; Cerebello-oculocutaneous telangiectasia; Immunodeficiency with ataxia telangiectasia; LOUIS-BAR SYNDROME; ATAXIA-TELANGIECTASIA, FRESNO VARIANT. Identifiers: Orphanet 100, MedGen C0004135, MONDO:0008840, OMIM 208900.

Submissions (2):

Labcorp Genetics (formerly Invitae), Labcorp
Classification: Uncertain significance for Ataxia-telangiectasia syndrome. Last evaluated: 2024-05-19. Review status: criteria provided, single submitter. Criteria: Invitae Variant Classification Sherloc (09022015). Collection method: clinical testing. Allele origin: germline.
Comment: This sequence change replaces valine, which is neutral and non-polar, with isoleucine, which is neutral and non-polar, at codon 539 of the ATM protein (p.Val539Ile). This variant is not present in population databases (gnomAD no frequency). This variant has not been reported in the literature in individuals affected with ATM-related conditions. Algorithms developed to predict the effect of missense changes on protein structure and function output the following: SIFT: "Not Available"; PolyPhen-2: "Benign"; Align-GVGD: "Not Available". The isoleucine amino acid residue is found in multiple mammalian species, which suggests that this missense change does not adversely affect protein function. In summary, the available evidence is currently insufficient to determine the role of this variant in disease. Therefore, it has been classified as a Variant of Uncertain Significance.

Ambry Genetics
Classification: Likely benign for Hereditary cancer-predisposing syndrome. Last evaluated: 2024-01-03. Review status: criteria provided, single submitter. Criteria: Ambry Variant Classification Scheme 2023. Collection method: clinical testing. Allele origin: germline.